The following is an entry in ClinVar:

ClinVar aggregate classification (germline): Uncertain significance (1 of 4 stars; one submission).

Conditions:
Early-infantile DEE. Also called: Early infantile epileptic encephalopathy; Early infantile epileptic encephalopathy with suppression bursts; Ohtahara syndrome. Identifiers: Orphanet 1934, MedGen C0393706, MONDO:0800491.

gnomAD v4.1: 2 of 1,613,820 alleles (0.00012%); highest among the groups gnomAD compares: Non-Finnish European, 0.00017%; no homozygotes.

Submission:

Labcorp Genetics (formerly Invitae), Labcorp
Classification: Uncertain significance for Early-infantile DEE. Last evaluated: 2017-11-08. Review status: criteria provided, single submitter. Criteria: Invitae Variant Classification Sherloc (09022015). Collection method: clinical testing. Allele origin: germline.
Comment: In summary, the available evidence is currently insufficient to determine the role of this variant in disease. Therefore, it has been classified as a Variant of Uncertain Significance. Algorithms developed to predict the effect of sequence changes on RNA splicing suggest that this variant may create or strengthen a splice site, but this prediction has not been confirmed by published transcriptional studies. This variant has not been reported in the literature in individuals with SPTAN1-related disease. This variant is not present in population databases (ExAC no frequency). This sequence change affects codon 2094 of the SPTAN1 mRNA. It is a 'silent' change, meaning that it does not change the encoded amino acid sequence of the SPTAN1 protein.

NM_001130438.3(SPTAN1):c.6282G>A (p.Val2094=)

Gene: SPTAN1 (spectrin alpha, non-erythrocytic 1; plus strand). Cytogenetic location: 9q34.11.
Variant type: single nucleotide variant.
Coding change: c.6282G>A on transcript NM_001130438.3 (MANE Select); coding-DNA position 6282, G replaced by A.
Protein change: p.Val2094=; no amino-acid change (valine 2094 retained).
Molecular consequence: synonymous variant.
Genome position (GRCh38, 1-based): chr9:128,626,393, G>A. VCF-style: chr9-128626393-G-A. GRCh37 (hg19) VCF-style: chr9-131388672-G-A.
Other names: c.6207G>A, p.Val2069= (NM_001195532.2); c.6282G>A, p.Val2094= (NM_001363759.2); c.6222G>A, p.Val2074= (NM_001363765.2); c.6267G>A, p.Val2089= (NM_003127.4).
Identifiers: ClinVar variation 530486 (VCV000530486.9), dbSNP rs1554766786, ClinGen allele CA467484871.
Genomic context (GRCh38, chr9:128,626,393, plus strand): 5'-ACTGCGTCGGCACGTCCAGCCCTGGCGACTCCGCCAACTCAGTCTCTTCTGCTTCCAGGT[G>A]GAGGACCTCTTCCTGACCTTCGCCAAAAAGGCTTCTGCCTTCAACAGCTGGTTTGAAAAT-3'
Protein context (NP_001123910.1, residues 2084-2104): LLEAQSHFRK[Val2094=]EDLFLTFAKK